The following is an entry in ClinVar:

NM_000103.4(CYP19A1):c.671G>A (p.Trp224Ter)

Genes: CYP19A1 (cytochrome P450 family 19 subfamily A member 1; minus strand), PIRC66 (piwi-interacting RNA cluster 66; plus strand), MIR4713HG (MIR4713 host gene; plus strand). Cytogenetic location: 15q21.2.
Variant type: single nucleotide variant.
Coding change: c.671G>A on transcript NM_000103.4 (MANE Select); coding-DNA position 671, G replaced by A.
Protein change: p.Trp224Ter; replaces tryptophan 224 with a stop codon.
Molecular consequence: nonsense.
Genome position (GRCh38, 1-based): chr15:51,218,613, C>T on the plus strand (G>A on the coding strand, the complement: CYP19A1 is on the minus strand). VCF-style: chr15-51218613-C-T. GRCh37 (hg19) VCF-style: chr15-51510810-C-T.
Other names: c.671G>A (NM_031226.2); c.671G>A, p.Trp224Ter (NM_001347248.1, NM_001347249.2, NM_001347250.2 and 7 more transcripts); short protein forms W224*.
Identifiers: ClinVar variation 2863693 (VCV002863693.4), dbSNP rs2141051275, ClinGen allele CA392426086.
Genomic context (GRCh38, chr15:51,218,613, plus strand): 5'-TACTTTTTGTATAGCCAAGAAATCTTAAAGAAGATGTCTGGTTTGATGAGGAGAGCTTGC[C>T]ATGCATCAAAATAACCTTGGATTTTAACCACGATAGCACTTTCTGTAGGAAAAAAAAACA-3'

ClinVar aggregate classification (germline): Pathogenic/Likely pathogenic. Review status: criteria provided, multiple submitters, no conflicts (2 of 4 stars). 2 submissions from 2 submitters: Pathogenic (1); Likely pathogenic (1). Last evaluated 2024-06-10.

Conditions:
Aromatase deficiency. Also called: Increased aromatase activity; PSEUDOHERMAPHRODITISM, FEMALE, DUE TO PLACENTAL AROMATASE DEFICIENCY. Identifiers: Orphanet 91, MedGen C1960539, MONDO:0013301, OMIM 613546.

Submissions (2):

Natera, Inc.
Classification: Likely pathogenic for Aromatase deficiency. Last evaluated: 2024-06-10. Review status: criteria provided, single submitter. Criteria: Natera Variant Classification Schema (03/2026). Collection method: clinical testing. Allele origin: germline.
Comment: The c.671G>A variant in CYP19A1 is a nonsense variant predicted to introduce a stop codon at amino acid 224. This variant is expected to result in nonsense mediated decay, truncation, or a dysfunctional protein product. This variant is rare in the general population with a frequency below the threshold expected for the associated phenotype(s). Given the available evidence, this variant is classified as Likely Pathogenic.

Labcorp Genetics (formerly Invitae), Labcorp
Classification: Pathogenic. Last evaluated: 2023-05-12. Review status: criteria provided, single submitter. Criteria: Invitae Variant Classification Sherloc (09022015). Collection method: clinical testing. Allele origin: germline.
Comment: This variant has not been reported in the literature in individuals affected with CYP19A1-related conditions. This variant is not present in population databases (gnomAD no frequency). This sequence change creates a premature translational stop signal (p.Trp224*) in the CYP19A1 gene. It is expected to result in an absent or disrupted protein product. Loss-of-function variants in CYP19A1 are known to be pathogenic (PMID: 14602738, 27086564, 27256151). For these reasons, this variant has been classified as Pathogenic.

Literature cited by the submitters: PubMed 14602738 (cited by Labcorp Genetics (formerly Invitae), Labcorp); PubMed 27086564 (cited by Labcorp Genetics (formerly Invitae), Labcorp); PubMed 27256151 (cited by Labcorp Genetics (formerly Invitae), Labcorp).